The following is an entry in ClinVar:

NM_001082538.3(TCTN1):c.341C>T (p.Thr114Met)

Gene: TCTN1 (tectonic family member 1; plus strand). Cytogenetic location: 12q24.11.
Variant type: single nucleotide variant.
Coding change: c.341C>T on transcript NM_001082538.3 (MANE Select); coding-DNA position 341, C replaced by T.
Protein change: p.Thr114Met; replaces threonine 114 with methionine.
Molecular consequence: missense variant. On other transcripts: 5 prime UTR variant (1), non-coding transcript variant (1).
Genome position (GRCh38, 1-based): chr12:110,619,956, C>T. VCF-style: chr12-110619956-C-T. GRCh37 (hg19) VCF-style: chr12-111057761-C-T.
Other names: c.341C>T, p.Thr114Met (NM_001082537.3, NM_001319680.2, NM_024549.6); c.173C>T, p.Thr58Met (NM_001173975.3, NM_001319682.3); c.161C>T, p.Thr54Met (NM_001173976.2); c.-367C>T (NM_001319681.2); short protein forms T54M, T58M, T114M.
Identifiers: ClinVar variation 1439078 (VCV001439078.3), dbSNP rs768244592, ClinGen allele CA6786525.

ClinVar aggregate classification (germline): Uncertain significance (1 of 4 stars; one submission).

Conditions:
Joubert syndrome. Also called: CEREBELLOPARENCHYMAL DISORDER IV; JOUBERT-BOLTSHAUSER SYNDROME; Familial aplasia of the vermis. Identifiers: Orphanet 475, MedGen C5979921, MONDO:0018772.
Meckel-Gruber syndrome. Also called: DYSENCEPHALIA SPLANCHNOCYSTICA; GRUBER SYNDROME; Dysencephalia splachnocystica. Identifiers: Orphanet 564, MedGen C0265215, MONDO:0018921.

Allele frequency attached by ClinVar (database versions not stated): ExAC 0.00001; gnomAD 0.00001; gnomAD exomes 0.00002.
gnomAD v4.1: 12 of 1,614,002 alleles (0.00074%); highest among the groups gnomAD compares: Admixed American, 0.005%; no homozygotes.

Submission:

Labcorp Genetics (formerly Invitae), Labcorp
Classification: Uncertain significance for Joubert syndrome; Meckel-Gruber syndrome. Last evaluated: 2022-02-09. Review status: criteria provided, single submitter. Criteria: Invitae Variant Classification Sherloc (09022015). Collection method: clinical testing. Allele origin: germline.
Comment: This sequence change replaces threonine, which is neutral and polar, with methionine, which is neutral and non-polar, at codon 114 of the TCTN1 protein (p.Thr114Met). This variant is present in population databases (rs768244592, gnomAD 0.006%). This variant has not been reported in the literature in individuals affected with TCTN1-related conditions. Algorithms developed to predict the effect of missense changes on protein structure and function output the following: SIFT: "Deleterious"; PolyPhen-2: "Benign"; Align-GVGD: "Class C15". The methionine amino acid residue is found in multiple mammalian species, which suggests that this missense change does not adversely affect protein function. Algorithms developed to predict the effect of sequence changes on RNA splicing suggest that this variant may disrupt the consensus splice site. In summary, the available evidence is currently insufficient to determine the role of this variant in disease. Therefore, it has been classified as a Variant of Uncertain Significance.